The following is an entry in ClinVar:

ClinVar aggregate classification (germline): Pathogenic. Review status: reviewed by expert panel (3 of 4 stars). 5 submissions from 5 submitters: Pathogenic (1). 4 of the submissions do not count toward it. Last evaluated 2023-02-23.

Conditions:
Inborn genetic diseases. Identifiers: MedGen C0950123, MeSH D030342.
Creatine transporter deficiency (CCDS1). Also called: Creatine Transporter (CRTR) Deficiency; Mental retardation , X-linked with seizures, short stature and midface hypoplasia; Mental retardation , X-linked, with creatine transport deficiency; X-linked creatine transporter deficiency; X-linked creatine deficiency syndrome; SLC6A8-Related Creatine Transporter Deficiency. Identifiers: Orphanet 52503, MedGen C1845862, MONDO:0010305, OMIM 300352.

Submissions (5):

ClinGen Cerebral Creatine Deficiency Syndromes Variant Curation Expert Panel, ClinGen
Classification: Pathogenic for Creatine transporter deficiency. Last evaluated: 2023-02-23. Review status: reviewed by expert panel. Criteria: ClinGen_CCDS_ACMG_Specifications_SLC6A8_v1.1. Collection method: curation. Allele origin: germline. Inheritance: X-linked inheritance.
Comment: The NM_005629.4:c.1016+2T>C variant occurs within the canonical splice donor of intron 6 of SLC6A8. It is predicted to cause skipping of biologically-relevant-exon 6/13, resulting in a frameshift leading to nonsense mediated decay in a gene in which loss-of-function is an established disease mechanism (PVS1). Two male patients have been reported who are hemizygous for the variant (presumed to be different cases). One of these patients has profound intellectual disability, seizures, and elevated urine creatine/creatinine ratio (PMID 16738945) (PP4). There was "clinical suspicion" for a CCDS for the other patient., but results of follow up biochemical testing or brain magnetic resonance spectrscopy are not available (PMID 23660394). There is a ClinVar entry for this variant (Variation ID: 520792). In summary, this variant meets the criteria to be classified as pathogenic for X-linked creatine transporter deficiency. SLC6A8-specific ACMG/AMP criteria applied, as specified by the ClinGen CCDS VCEP (Specifications Verions 1.1.0): PVS1, PP4, PM2_Supporting. (Classification approved by the ClinGen CCDS VCEP on February 23, 2023).

GeneDx
Classification: Pathogenic. Last evaluated: 2025-09-05. Review status: criteria provided, single submitter. Criteria: GeneDx Variant Classification Process June 2021. Collection method: clinical testing. Allele origin: germline. Affected: yes. Not counted in ClinVar's aggregate classification.
Comment: Canonical splice site variant predicted to result in a null allele in a gene for which loss of function is a known mechanism of disease; Not observed at significant frequency in large population cohorts (gnomAD); This variant is associated with the following publications: (PMID: 10893433, 24137762, 34050321, 23660394, 25525159, 16738945, 24190795, 20528887, 15154114, 15234334, 23644449, 20846889, 28065824)

Labcorp Genetics (formerly Invitae), Labcorp
Classification: Pathogenic for Creatine transporter deficiency. Last evaluated: 2025-09-02. Review status: criteria provided, single submitter. Criteria: Invitae Variant Classification Sherloc (09022015). Collection method: clinical testing. Allele origin: germline. Not counted in ClinVar's aggregate classification.
Comment: This sequence change affects a donor splice site in intron 6 of the SLC6A8 gene. It is expected to disrupt RNA splicing. Variants that disrupt the donor or acceptor splice site typically lead to a loss of protein function (PMID: 16199547), and loss-of-function variants in SLC6A8 are known to be pathogenic (PMID: 22281021). This variant is not present in population databases (gnomAD no frequency). Disruption of this splice site has been observed in individuals with SLC6A8-related conditions (PMID: 16738945, 34050321; internal data). ClinVar contains an entry for this variant (Variation ID: 520792). Algorithms developed to predict the effect of sequence changes on RNA splicing suggest that this variant may disrupt the consensus splice site. For these reasons, this variant has been classified as Pathogenic.

Ambry Genetics
Classification: Pathogenic for Inborn genetic diseases. Last evaluated: 2015-10-09. Review status: criteria provided, single submitter. Criteria: Ambry exome assertion method (8-5-2015). Collection method: clinical testing. Allele origin: germline. Affected: yes. Observed: 1 variant allele. Not counted in ClinVar's aggregate classification.

Centre de Biologie Pathologie Génétique, Centre Hospitalier Universitaire de Lille
Classification: Pathogenic for Creatine transporter deficiency. Review status: criteria provided, single submitter. Criteria: ACMG Guidelines, 2015. Collection method: clinical testing. Allele origin: de novo. Affected: yes. Not counted in ClinVar's aggregate classification.

Literature cited by the submitters: PubMed 16199547 (cited by Labcorp Genetics (formerly Invitae), Labcorp); PubMed 22281021 (cited by Labcorp Genetics (formerly Invitae), Labcorp); PubMed 16738945 (cited by Labcorp Genetics (formerly Invitae), Labcorp); PubMed 34050321 (cited by Labcorp Genetics (formerly Invitae), Labcorp).

NM_005629.4(SLC6A8):c.1016+2T>C

Gene: SLC6A8 (solute carrier family 6 member 8; plus strand). Cytogenetic location: Xq28.
Variant type: single nucleotide variant.
Coding change: c.1016+2T>C on transcript NM_005629.4 (MANE Select); the canonical splice donor site of the intron after coding-DNA position 1016, T replaced by C.
Molecular consequence: splice donor variant.
Genome position (GRCh38, 1-based): chrX:153,693,368, T>C. VCF-style: chrX-153693368-T-C. GRCh37 (hg19) VCF-style: chrX-152958823-T-C.
Other names: c.1016+2T>C (NM_001142805.2); c.671+2T>C (NM_001142806.1).
Identifiers: ClinVar variation 520792 (VCV000520792.15), dbSNP rs1557045066, ClinGen allele CA415085022.